The following is an entry in ClinVar:

ClinVar aggregate classification (germline): Uncertain significance. Review status: criteria provided, multiple submitters, no conflicts (2 of 4 stars). 2 submissions from 2 submitters: Uncertain significance (2). Last evaluated 2024-06-04.

Conditions:
Inborn genetic diseases. Identifiers: MedGen C0950123, MeSH D030342.

gnomAD v4.1: 142 of 1,612,438 alleles (0.0088%); highest among the groups gnomAD compares: African/African-American, 0.015%; no homozygotes.

Submissions (2):

Labcorp Genetics (formerly Invitae), Labcorp
Classification: Uncertain significance. Last evaluated: 2024-06-04. Review status: criteria provided, single submitter. Criteria: Invitae Variant Classification Sherloc (09022015). Collection method: clinical testing. Allele origin: germline.
Comment: This sequence change replaces arginine, which is basic and polar, with serine, which is neutral and polar, at codon 263 of the COL8A2 protein (p.Arg263Ser). This variant is present in population databases (rs561429435, gnomAD 0.03%). This variant has not been reported in the literature in individuals affected with COL8A2-related conditions. Algorithms developed to predict the effect of missense changes on protein structure and function output the following: SIFT: "Not Available"; PolyPhen-2: "Not Available"; Align-GVGD: "Not Available". The serine amino acid residue is found in multiple mammalian species, which suggests that this missense change does not adversely affect protein function. In summary, the available evidence is currently insufficient to determine the role of this variant in disease. Therefore, it has been classified as a Variant of Uncertain Significance.

Ambry Genetics
Classification: Uncertain significance for Inborn genetic diseases. Last evaluated: 2024-05-29. Review status: criteria provided, single submitter. Criteria: Ambry Variant Classification Scheme 2023. Collection method: clinical testing. Allele origin: germline.

NM_005202.4(COL8A2):c.789G>C (p.Arg263Ser)

Gene: COL8A2 (collagen type VIII alpha 2 chain; minus strand). Cytogenetic location: 1p34.3.
Variant type: single nucleotide variant.
Coding change: c.789G>C on transcript NM_005202.4 (MANE Select); coding-DNA position 789, G replaced by C.
Protein change: p.Arg263Ser; replaces arginine 263 with serine.
Molecular consequence: missense variant.
Genome position (GRCh38, 1-based): chr1:36,098,892, C>G on the plus strand (G>C on the coding strand, the complement: COL8A2 is on the minus strand). VCF-style: chr1-36098892-C-G. GRCh37 (hg19) VCF-style: chr1-36564493-C-G.
Other names: c.594G>C, p.Arg198Ser (NM_001294347.2); short protein forms R198S, R263S.
Identifiers: ClinVar variation 3268867 (VCV003268867.3).